The following is an entry in ClinVar:

NC_012920.1(MT-CYB):m.14793A>G

Gene: MT-CYB (mitochondrially encoded cytochrome b; plus strand).
Variant type: single nucleotide variant.
Genome position: chrM-14793-A-G.
Identifiers: ClinVar variation 693766 (VCV000693766.2), dbSNP rs2853504, ClinGen allele CA337100162.

ClinVar aggregate classification (germline): Benign/Likely benign. Review status: criteria provided, multiple submitters, no conflicts (2 of 4 stars). 2 submissions from 2 submitters: Benign (1); Likely benign (1). Last evaluated 2025-02-16.

Conditions:
Leigh syndrome (NULS). Also called: Leigh's necrotizing encephalopathy; Leigh's disease; Leigh's syndrome; LEIGH SYNDROME, NUCLEAR; Leigh Syndrome (mtDNA deletion); Leigh Disease. Identifiers: Orphanet 506, MedGen C2931891, MONDO:0009723, OMIM 256000.

Submissions (2):

Laboratory of Genetics, Children's Clinical University Hospital Latvia
Classification: Likely benign. Last evaluated: 2025-02-16. Review status: criteria provided, single submitter. Criteria: ACMG Guidelines, 2015. Collection method: clinical testing. Allele origin: germline. Affected: yes.

Wong Mito Lab, Molecular and Human Genetics, Baylor College of Medicine
Classification: Benign for Leigh syndrome. Last evaluated: 2019-10-17. Review status: criteria provided, single submitter. Criteria: Modified ACMG Guidelines (Unpublished). Collection method: clinical testing. Allele origin: germline.
Comment: The NC_012920.1:m.14793A>G (YP_003024038.1:p.His16Arg) variant in MTCYB gene is interpretated to be a Benign variant based on the modified ACMG guidelines (unpublished). This variant meets the following evidence codes: BA1